The following is an entry in ClinVar:

NM_000388.4(CASR):c.2710G>C (p.Gly904Arg)

Gene: CASR (calcium sensing receptor; plus strand). Cytogenetic location: 3q21.1.
Variant type: single nucleotide variant.
Coding change: c.2710G>C on transcript NM_000388.4 (MANE Select); coding-DNA position 2710, G replaced by C.
Protein change: p.Gly904Arg; replaces glycine 904 with arginine.
Molecular consequence: missense variant.
Genome position (GRCh38, 1-based): chr3:122,284,664, G>C. VCF-style: chr3-122284664-G-C. GRCh37 (hg19) VCF-style: chr3-122003511-G-C.
Other names: c.2740G>C, p.Gly914Arg (NM_001178065.2); short protein forms G904R, G914R.
Identifiers: ClinVar variation 988128 (VCV000988128.1), dbSNP rs2074943924, ClinGen allele CA354160605.
Genomic context (GRCh38, chr3:122,284,664, plus strand): 5'-GCTGCCCGGGCCACGCTGCGCCGCAGCAACGTCTCCCGCAAGCGGTCCAGCAGCCTTGGA[G>C]GCTCCACGGGATCCACCCCCTCCTCCTCCATCAGCAGCAAGAGCAACAGCGAAGACCCAT-3'
Protein context (NP_000379.3, residues 894-914): VSRKRSSSLG[Gly904Arg]STGSTPSSSI

ClinVar aggregate classification (germline): Uncertain significance (0 of 4 stars; one submission).

Conditions:
Bartter syndrome. Identifiers: Orphanet 112, MedGen C0004775, MONDO:0015231.
Familial hypokalemia-hypomagnesemia (GTLMNS). Also called: POTASSIUM AND MAGNESIUM DEPLETION; HYPOMAGNESEMIA-HYPOKALEMIA, PRIMARY RENOTUBULAR, WITH HYPOCALCIURIA; gitelman syndrome. Identifiers: Orphanet 358, MedGen C0268450, MONDO:0009904, OMIM 263800.

Submission:

Sydney Genome Diagnostics, Children's Hospital Westmead
Classification: Uncertain significance for Familial hypokalemia-hypomagnesemia; Bartter syndrome. Last evaluated: 2018-05-29. Review status: no assertion criteria provided. Collection method: clinical testing. Allele origin: unknown. Affected: yes. Observed: 1 variant allele, 1 heterozygote.
Comment: To our knowledge, this variant has not been previously reported in the literature or any variant databases (i.e. ExAC, ESP or dbSNP). In silico analysis (Alamut Visual v2.8.1) using PolyPhen2 and SIFT and Mutation Taster all predict this variant to be a likely pathogenic variant. However, this analysis alone cannot be used to confirm pathogenicity. This variant is considered to be a variant of uncertain clinical significance (VOUS) according to the ACMG guidelines.